The following is an entry in ClinVar:

ClinVar aggregate classification (germline): Pathogenic. Review status: criteria provided, single submitter (1 of 4 stars). 2 submissions from 2 submitters: Pathogenic (1). 1 of the submissions does not count toward it. Last evaluated 2023-05-07.

Conditions:
Pontocerebellar hypoplasia type 4 (PCH4). Also called: Pontocerebellar Hypoplasia Type 4 (PCH4). Identifiers: Orphanet 166063, MedGen C1856974, MONDO:0009166, OMIM 225753.

Submissions (2):

Labcorp Genetics (formerly Invitae), Labcorp
Classification: Pathogenic. Last evaluated: 2023-05-07. Review status: criteria provided, single submitter. Criteria: Invitae Variant Classification Sherloc (09022015). Collection method: clinical testing. Allele origin: germline.
Comment: For these reasons, this variant has been classified as Pathogenic. Algorithms developed to predict the effect of sequence changes on RNA splicing suggest that this variant may create or strengthen a splice site. ClinVar contains an entry for this variant (Variation ID: 30751). This variant is also known as c.1170_1183del. This premature translational stop signal has been observed in individual(s) with pontocerebellar hypoplasia (PMID: 20956791). This variant is not present in population databases (gnomAD no frequency). This sequence change creates a premature translational stop signal (p.Gln391Profs*39) in the TSEN54 gene. It is expected to result in an absent or disrupted protein product. Loss-of-function variants in TSEN54 are known to be pathogenic (PMID: 18711368, 20952379).

OMIM
Classification: Pathogenic for PONTOCEREBELLAR HYPOPLASIA, TYPE 4. Last evaluated: 2010-10-19. Review status: no assertion criteria provided. Collection method: literature only. Allele origin: germline. Not counted in ClinVar's aggregate classification.

Literature cited by the submitters: PubMed 20956791 (cited by Labcorp Genetics (formerly Invitae), Labcorp and OMIM); PubMed 18711368 (cited by Labcorp Genetics (formerly Invitae), Labcorp); PubMed 20952379 (cited by Labcorp Genetics (formerly Invitae), Labcorp).

NM_207346.3(TSEN54):c.1172_1185del (p.Gln391fs)

Gene: TSEN54 (tRNA splicing endonuclease subunit 54; plus strand). Cytogenetic location: 17q25.1.
Variant type: Deletion.
Coding change: c.1172_1185del on transcript NM_207346.3 (MANE Select); coding-DNA positions 1172 to 1185, 14 bases deleted (AGAGGAGCCAGCGC).
Protein change: p.Gln391fs; shifts the reading frame from glutamine 391.
Molecular consequence: frameshift variant.
Genome position (GRCh38, 1-based): chr17:75,522,253-75,522,266, AGAGGAGCCAGCGC deleted; deleting any 14 consecutive bases within chr17:75,522,251-75,522,266 gives the same sequence; the c. name uses the placement nearest the transcript's 3' end. VCF-style (leftmost placement, unchanged base first): chr17-75522250-TGCAGAGGAGCCAGC-T. GRCh37 (hg19) VCF-style: chr17-73518331-TGCAGAGGAGCCAGC-T.
Other names: short protein forms Q391fs.
Identifiers: ClinVar variation 30751 (VCV000030751.5), dbSNP rs886037629, ClinGen allele CA10602358.